The following is an entry in ClinVar:

NM_032977.4(CASP10):c.1415+5G>C

Gene: CASP10 (caspase 10; plus strand). Cytogenetic location: 2q33.1.
Variant type: single nucleotide variant.
Coding change: c.1415+5G>C on transcript NM_032977.4 (MANE Select); 5 bases into the intron after coding-DNA position 1415, G replaced by C.
Molecular consequence: intron variant.
Genome position (GRCh38, 1-based): chr2:201,209,567, G>C. VCF-style: chr2-201209567-G-C. GRCh37 (hg19) VCF-style: chr2-202074290-G-C.
Other names: c.1415+5G>C (NM_032974.5); c.1286+5G>C (NM_001206542.2, NM_001230.5); c.*501+5G>C (NM_032976.4); c.1214+5G>C (NM_001206524.2).
Identifiers: ClinVar variation 3762978 (VCV003762978.2).

ClinVar aggregate classification (germline): Uncertain significance (1 of 4 stars; one submission).

Conditions:
Autoimmune lymphoproliferative syndrome type 2A (ALPS2A). Also called: AUTOIMMUNE LYMPHOPROLIFERATIVE SYNDROME, TYPE IIA; CASP10-Related Autoimmune Lymphoproliferative Syndrome; Autoimmune lymphoproliferative syndrome type 2. Identifiers: Orphanet 3261, MedGen C1858968, MONDO:0011383, OMIM 603909.

Submission:

Labcorp Genetics (formerly Invitae), Labcorp
Classification: Uncertain significance for Autoimmune lymphoproliferative syndrome type 2A. Last evaluated: 2024-06-04. Review status: criteria provided, single submitter. Criteria: Invitae Variant Classification Sherloc (09022015). Collection method: clinical testing. Allele origin: germline.
Comment: This sequence change falls in intron 9 of the CASP10 gene. It does not directly change the encoded amino acid sequence of the CASP10 protein. It affects a nucleotide within the consensus splice site. This variant is not present in population databases (gnomAD no frequency). This variant has not been reported in the literature in individuals affected with CASP10-related conditions. Variants that disrupt the consensus splice site are a relatively common cause of aberrant splicing (PMID: 17576681, 9536098). Algorithms developed to predict the effect of sequence changes on RNA splicing suggest that this variant may disrupt the consensus splice site. In summary, the available evidence is currently insufficient to determine the role of this variant in disease. Therefore, it has been classified as a Variant of Uncertain Significance.

Literature cited by the submitters: PubMed 17576681; PubMed 9536098.